The following is an entry in ClinVar:

NM_007194.4(CHEK2):c.1277C>A (p.Pro426His)

Gene: CHEK2 (checkpoint kinase 2; minus strand). Cytogenetic location: 22q12.1.
Variant type: single nucleotide variant.
Coding change: c.1277C>A on transcript NM_007194.4 (MANE Select); coding-DNA position 1277, C replaced by A.
Protein change: p.Pro426His; replaces proline 426 with histidine.
Molecular consequence: missense variant.
Genome position (GRCh38, 1-based): chr22:28,695,225, G>T on the plus strand (C>A on the coding strand, the complement: CHEK2 is on the minus strand). VCF-style: chr22-28695225-G-T. GRCh37 (hg19) VCF-style: chr22-29091213-G-T.
Other names: c.1406C>A, p.Pro469His (NM_001005735.3); c.614C>A, p.Pro205His (NM_001257387.3); c.1076C>A, p.Pro359His (NM_001349956.3); c.1190C>A, p.Pro397His (NM_145862.3); short protein forms P426H, P359H, P205H, P469H, P397H.
Identifiers: ClinVar variation 233376 (VCV000233376.20), dbSNP rs769933461, ClinGen allele CA10167683.
Genomic context (GRCh38, chr22:28,695,225, plus strand): 5'-TTGTATTTTCCACTGGTGATCTGATCCTTCAGTGACACTTGAGTCCTATGCTCAGAGAAA[G>T]GTGGATACCCACTAAGGCTTAATATTGGTAGAGAGAGAAAGGAAAAGAAATCAAGTGGCA-3'
Protein context (NP_009125.1, residues 416-436): ILFICLSGYP[Pro426His]FSEHRTQVSL

ClinVar aggregate classification (germline): Uncertain significance. Review status: criteria provided, multiple submitters, no conflicts (2 of 4 stars). 4 submissions from 4 submitters: Uncertain significance (4). Last evaluated 2024-12-31.

Conditions:
Familial cancer of breast. Also called: BREAST CANCER, FAMILIAL; hereditary breast carcinoma; Hereditary breast cancer. Identifiers: Orphanet 227535, MedGen C0346153, MONDO:0016419, OMIM 114480. Disease mechanism: loss of function.
Hereditary cancer-predisposing syndrome. Also called: Neoplastic Syndromes, Hereditary; Tumor predisposition; Hereditary Cancer Syndrome; Hereditary neoplastic syndrome. Identifiers: Orphanet 140162, MedGen C0027672, MeSH D009386, MONDO:0015356.

Allele frequency attached by ClinVar (database versions not stated): gnomAD exomes below 0.00001 and 0.00002; ExAC 0.00003.
gnomAD v4.1: 5 of 1,606,960 alleles (0.00031%); highest among the groups gnomAD compares: Non-Finnish European, 0.00034%; no homozygotes.

Submissions (4):

Ambry Genetics
Classification: Uncertain significance for Hereditary cancer-predisposing syndrome. Last evaluated: 2024-12-31. Review status: criteria provided, single submitter. Criteria: Ambry Variant Classification Scheme 2023. Collection method: clinical testing. Allele origin: germline.
Comment: The p.P426H variant (also known as c.1277C>A), located in coding exon 11 of the CHEK2 gene, results from a C to A substitution at nucleotide position 1277. The proline at codon 426 is replaced by histidine, an amino acid with similar properties. This alteration was reported as functionally impaired in a study assessing CHEK2-complementation through quantification of KAP1 phosphorylation and CHK2 autophosphorylation in human RPE1-CHEK2-knockout cells (Stolarova L et al. Clin Cancer Res, 2023 Aug;29:3037-3050). This amino acid position is highly conserved in available vertebrate species. In addition, this alteration is predicted to be deleterious by in silico analysis. Based on the available evidence, the clinical significance of this variant remains unclear.

Labcorp Genetics (formerly Invitae), Labcorp
Classification: Uncertain significance for Familial cancer of breast. Last evaluated: 2024-11-13. Review status: criteria provided, single submitter. Criteria: Invitae Variant Classification Sherloc (09022015). Collection method: clinical testing. Allele origin: germline.
Comment: This sequence change replaces proline, which is neutral and non-polar, with histidine, which is basic and polar, at codon 426 of the CHEK2 protein (p.Pro426His). This variant is present in population databases (rs769933461, gnomAD 0.004%). This variant has not been reported in the literature in individuals affected with CHEK2-related conditions. ClinVar contains an entry for this variant (Variation ID: 233376). An algorithm developed to predict the effect of missense changes on protein structure and function (PolyPhen-2) suggests that this variant is likely to be disruptive. In summary, the available evidence is currently insufficient to determine the role of this variant in disease. Therefore, it has been classified as a Variant of Uncertain Significance.

Color Diagnostics, LLC DBA Color Health
Classification: Uncertain significance for Hereditary cancer-predisposing syndrome. Last evaluated: 2020-09-29. Review status: criteria provided, single submitter. Criteria: ACMG Guidelines, 2015. Collection method: clinical testing. Allele origin: germline.
Comment: This missense variant replaces proline with histidine at codon 426 of the CHEK2 protein. Computational prediction suggests that this variant may have deleterious impact on protein structure and function (internally defined REVEL score threshold >= 0.7, PMID: 27666373). To our knowledge, functional studies have not been reported for this variant. This variant has not been reported in individuals affected with hereditary cancer in the literature. This variant has been identified in 4/250726 chromosomes in the general population by the Genome Aggregation Database (gnomAD). The available evidence is insufficient to determine the role of this variant in disease conclusively. Therefore, this variant is classified as a Variant of Uncertain Significance.

GeneDx
Classification: Uncertain significance. Last evaluated: 2019-11-26. Review status: criteria provided, single submitter. Criteria: GeneDx Variant Classification Process June 2021. Collection method: clinical testing. Allele origin: germline. Affected: yes.
Comment: Not observed at a significant frequency in large population cohorts (Lek 2016); In silico analysis, which includes protein predictors and evolutionary conservation, supports a deleterious effect; Has not been previously published as pathogenic or benign to our knowledge

Literature cited by the submitters: PubMed 37449874 (cited by Ambry Genetics).